The following is an entry in ClinVar:

NM_003283.6(TNNT1):c.502_505del

Gene: TNNT1 (troponin T1, slow skeletal type; minus strand). Cytogenetic location: 19q13.42.
Variant type: Deletion.
Coding change: c.502_505del on transcript NM_003283.6 (MANE Select); coding-DNA positions 502 to 505, 4 bases deleted (GCAG; older notation c.502_505delGCAG).
Molecular consequence: splice acceptor variant.
Genome position (GRCh38, 1-based): chr19:55,137,209-55,137,212, CTGC deleted on the plus strand (GCAG on the coding strand, the reverse complement: TNNT1 is on the minus strand); deleting any 4 consecutive bases within chr19:55,137,209-55,137,215 gives the same sequence; the c. name uses the placement nearest the transcript's 3' end. VCF-style (leftmost placement, unchanged base first): chr19-55137208-TCTGC-T. GRCh37 (hg19) VCF-style: chr19-55648576-TCTGC-T.
Identifiers: ClinVar variation 3775958 (VCV003775958.1).
Genomic context (GRCh38, chr19:55,137,208, plus strand): 5'-CGCTCGGAGAGGATGCGCACCTTCATCTCCCGCCCCGTCTGCCGCTTACCACGCTTCTGT[TCTGC>T]CTGAGGGTGGGGGAGGCGGAACAGTAAACTGGGGGCCACATCCCACAGAGCACTGCCGTG-3'

ClinVar aggregate classification (germline): Pathogenic (1 of 4 stars; one submission).

Conditions:
Nemaline myopathy 5B, autosomal recessive, childhood-onset (NEM5B). Identifiers: MedGen C5830545, MONDO:0957281, OMIM 620386.

Submission:

3billion
Classification: Pathogenic for Nemaline myopathy 5B, autosomal recessive, childhood-onset. Last evaluated: 2023-11-20. Review status: criteria provided, single submitter. Criteria: ACMG Guidelines, 2015. Collection method: clinical testing. Allele origin: germline. Affected: yes.
Comment: The variant is not observed in the gnomAD v2.1.1 dataset. Predicted Consequence/Location: Frameshift: predicted to result in a loss or disruption of normal protein function through nonsense-mediated decay (NMD) or protein truncation. Multiple pathogenic variants are reported downstream of the variant. Therefore, this variant is classified as Pathogenic according to the recommendation of ACMG/AMP guideline.